The following is an entry in ClinVar:

ClinVar aggregate classification (germline): Uncertain significance (1 of 4 stars; one submission).

Submission:

Labcorp Genetics (formerly Invitae), Labcorp
Classification: Uncertain significance. Last evaluated: 2024-04-25. Review status: criteria provided, single submitter. Criteria: Invitae Variant Classification Sherloc (09022015). Collection method: clinical testing. Allele origin: germline.
Comment: This sequence change replaces isoleucine, which is neutral and non-polar, with threonine, which is neutral and polar, at codon 511 of the GRIA3 protein (p.Ile511Thr). This variant is not present in population databases (gnomAD no frequency). This variant has not been reported in the literature in individuals affected with GRIA3-related conditions. Advanced modeling of protein sequence and biophysical properties (such as structural, functional, and spatial information, amino acid conservation, physicochemical variation, residue mobility, and thermodynamic stability) performed at Invitae indicates that this missense variant is expected to disrupt GRIA3 protein function with a positive predictive value of 80%. In summary, the available evidence is currently insufficient to determine the role of this variant in disease. Therefore, it has been classified as a Variant of Uncertain Significance.

NM_007325.5(GRIA3):c.1532T>C (p.Ile511Thr)

Gene: GRIA3 (glutamate ionotropic receptor AMPA type subunit 3; plus strand). Cytogenetic location: Xq25.
Variant type: single nucleotide variant.
Coding change: c.1532T>C on transcript NM_007325.5 (MANE Select); coding-DNA position 1532, T replaced by C.
Protein change: p.Ile511Thr; replaces isoleucine 511 with threonine.
Molecular consequence: missense variant.
Genome position (GRCh38, 1-based): chrX:123,417,433, T>C. VCF-style: chrX-123417433-T-C. GRCh37 (hg19) VCF-style: chrX-122551284-T-C.
Other names: c.1532T>C, p.Ile511Thr (NM_000828.5); short protein forms I511T.
Identifiers: ClinVar variation 3651254 (VCV003651254.2).